The following is an entry in ClinVar:

NM_006415.4(SPTLC1):c.387C>T (p.Gly129=)

Gene: SPTLC1 (serine palmitoyltransferase long chain base subunit 1; minus strand). Cytogenetic location: 9q22.31.
Variant type: single nucleotide variant.
Coding change: c.387C>T on transcript NM_006415.4 (MANE Select); coding-DNA position 387, C replaced by T.
Protein change: p.Gly129=; no amino-acid change (glycine 129 retained).
Molecular consequence: synonymous variant. On other transcripts: 5 prime UTR variant (2).
Genome position (GRCh38, 1-based): chr9:92,080,056, G>A on the plus strand (C>T on the coding strand, the complement: SPTLC1 is on the minus strand). VCF-style: chr9-92080056-G-A. GRCh37 (hg19) VCF-style: chr9-94842338-G-A.
Other names: c.387C>T (LRG_272t1); c.387C>T, p.Gly129= (NM_001281303.2, NM_178324.3); c.-113C>T (NM_001368272.1); c.-79C>T (NM_001368273.1).
Identifiers: ClinVar variation 367551 (VCV000367551.65), dbSNP rs141265918, ClinGen allele CA5121584.
Genomic context (GRCh38, chr9:92,080,056, plus strand): 5'-AGAACACAACAAAAACTTACCAAATGTGCCATAAAATCCTCTGGGTCCACAAGTCCCCAC[G>A]CCATACTTCTTTAGAGATGCTAAAGCTGCTGCCTTTATTGAAGTACAAGAATTATACTTT-3'
Protein context (NP_006406.1, residues 119-139): AAALASLKKY[Gly129=]VGTCGPRGFY

ClinVar aggregate classification (germline): Benign/Likely benign. Review status: criteria provided, multiple submitters, no conflicts (2 of 4 stars). 7 submissions from 7 submitters: Benign (3); Likely benign (4). Last evaluated 2026-01-05.

Conditions:
Neuropathy, hereditary sensory and autonomic, type 1A (HSAN1A). Also called: HSAN IA; HSN IA; NEUROPATHY, HEREDITARY SENSORY RADICULAR, AUTOSOMAL DOMINANT, TYPE 1A; SPTLC1-Related Hereditary Sensory Neuropathy; NEUROPATHY, HEREDITARY SENSORY AND AUTONOMIC, TYPE IA. Identifiers: MedGen C5235211, MONDO:0008086, OMIM 162400.
Charcot-Marie-Tooth disease. Also called: Charcot-Marie-Tooth Neuropathy; Charcot-Marie-Tooth Hereditary Neuropathy. Identifiers: Orphanet 166, MedGen C0007959, MONDO:0015626.
Hereditary sensory and autonomic neuropathy type 1 (HSAN1). Also called: Hereditary Sensory Neuropathy Type I; HSAN 1; HSN Type I. Identifiers: Orphanet 36386, MedGen C0020071, MONDO:0018213.
SPTLC1-related disorder. Also called: SPTLC1-related condition.
Inborn genetic diseases. Identifiers: MedGen C0950123, MeSH D030342.

Allele frequency attached by ClinVar (database versions not stated): TOPMed 0.00013; ESP Exome Variant Server 0.00015; gnomAD 0.00011 and 0.00038; gnomAD exomes 0.00064 and 0.00127; ExAC 0.00148; 1000 Genomes Project 0.00220; 1000 Genomes Project 30x 0.00203.
gnomAD v4.1: 998 of 1,613,916 alleles (0.062%); highest among the groups gnomAD compares: South Asian, 0.8%; 7 homozygotes.

Submissions (7):

Labcorp Genetics (formerly Invitae), Labcorp
Classification: Benign for Hereditary sensory and autonomic neuropathy type 1. Last evaluated: 2026-01-05. Review status: criteria provided, single submitter. Criteria: Invitae Variant Classification Sherloc (09022015). Collection method: clinical testing. Allele origin: germline.

CeGaT Center for Human Genetics Tuebingen
Classification: Likely benign. Last evaluated: 2025-10-01. Review status: criteria provided, single submitter. Criteria: CeGaT Center For Human Genetics Tuebingen Variant Classification Criteria Version 2. Collection method: clinical testing. Allele origin: germline. Affected: yes. Observed: 1 variant allele.
Comment: SPTLC1: BS1

PreventionGenetics, part of Exact Sciences
Classification: Benign for SPTLC1-related condition. Last evaluated: 2025-04-03. Review status: criteria provided, single submitter. Criteria: ACMG Guidelines, 2015. Collection method: clinical testing. Allele origin: germline.
Comment: This variant is classified as benign based on ACMG/AMP sequence variant interpretation guidelines (Richards et al. 2015 PMID: 25741868, with internal and published modifications).

GeneDx
Classification: Likely benign. Last evaluated: 2020-10-29. Review status: criteria provided, single submitter. Criteria: GeneDx Variant Classification Process June 2021. Collection method: clinical testing. Allele origin: germline. Affected: yes.

Ambry Genetics
Classification: Likely benign for Inborn genetic diseases. Last evaluated: 2019-07-11. Review status: criteria provided, single submitter. Criteria: Ambry Variant Classification Scheme 2023. Collection method: clinical testing. Allele origin: germline.

Illumina Laboratory Services, Illumina
Classification: Benign for Neuropathy, hereditary sensory and autonomic, type 1A. Last evaluated: 2018-01-13. Review status: criteria provided, single submitter. Criteria: ICSL Variant Classification Criteria 13 December 2019. Collection method: clinical testing. Allele origin: germline.
Comment: This variant was observed in the ICSL laboratory as part of a predisposition screen in an ostensibly healthy population. It had not been previously curated by ICSL or reported in the Human Gene Mutation Database (HGMD: prior to June 1st, 2018), and was therefore a candidate for classification through an automated scoring system. Utilizing variant allele frequency, disease prevalence and penetrance estimates, and inheritance mode, an automated score was calculated to assess if this variant is too frequent to cause the disease. Based on the score and internal cut-off values, a variant classified as benign is not then subjected to further curation. The score for this variant resulted in a classification of benign for this disease.

Molecular Genetics Laboratory, London Health Sciences Centre
Classification: Likely benign for Charcot-Marie-Tooth disease. Review status: criteria provided, single submitter. Criteria: ACMG Guidelines, 2015. Collection method: clinical testing. Allele origin: germline. Affected: yes.